The following is an entry in ClinVar:

ClinVar aggregate classification (germline): Uncertain significance. Review status: criteria provided, multiple submitters, no conflicts (2 of 4 stars). 2 submissions from 2 submitters: Uncertain significance (2). Last evaluated 2022-08-16.

Conditions:
Deficiency of malonyl-CoA decarboxylase. Also called: Malonic aciduria; MCD deficiency. Identifiers: Orphanet 943, MedGen C0342793, MONDO:0009556, OMIM 248360.

Allele frequency attached by ClinVar (database versions not stated): TOPMed below 0.00001; ExAC 0.00003.

Submissions (2):

Labcorp Genetics (formerly Invitae), Labcorp
Classification: Uncertain significance for Deficiency of malonyl-CoA decarboxylase. Last evaluated: 2022-08-16. Review status: criteria provided, single submitter. Criteria: Invitae Variant Classification Sherloc (09022015). Collection method: clinical testing. Allele origin: germline.
Comment: This sequence change replaces glycine, which is neutral and non-polar, with serine, which is neutral and polar, at codon 149 of the MLYCD protein (p.Gly149Ser). The frequency data for this variant in the population databases is considered unreliable, as metrics indicate poor data quality at this position in the gnomAD database. This variant has not been reported in the literature in individuals affected with MLYCD-related conditions. ClinVar contains an entry for this variant (Variation ID: 1514836). Algorithms developed to predict the effect of missense changes on protein structure and function (SIFT, PolyPhen-2, Align-GVGD) all suggest that this variant is likely to be disruptive. In summary, the available evidence is currently insufficient to determine the role of this variant in disease. Therefore, it has been classified as a Variant of Uncertain Significance.

Juno Genomics, Hangzhou Juno Genomics, Inc
Classification: Uncertain significance for Deficiency of malonyl-CoA decarboxylase. Review status: criteria provided, single submitter. Criteria: ACMG Guidelines, 2015. Collection method: clinical testing. Allele origin: germline.
Comment: Absent from controls (or at extremely low frequency if recessive) in Genome Aggregation Database.;Multiple lines of computational evidence support a deleterious effect on the gene or gene product.

NM_012213.3(MLYCD):c.445G>A (p.Gly149Ser)

Gene: MLYCD (malonyl-CoA decarboxylase; plus strand). Cytogenetic location: 16q23.3.
Variant type: single nucleotide variant.
Coding change: c.445G>A on transcript NM_012213.3 (MANE Select); coding-DNA position 445, G replaced by A.
Protein change: p.Gly149Ser; replaces glycine 149 with serine.
Molecular consequence: missense variant.
Genome position (GRCh38, 1-based): chr16:83,899,589, G>A. VCF-style: chr16-83899589-G-A. GRCh37 (hg19) VCF-style: chr16-83933194-G-A.
Other names: short protein forms G149S.
Identifiers: ClinVar variation 1514836 (VCV001514836.5), dbSNP rs767254883, ClinGen allele CA8197234.